The following is an entry in ClinVar:

NM_001378454.1(ALMS1):c.8560C>G (p.Leu2854Val)

Gene: ALMS1 (ALMS1 centrosome and basal body associated protein; plus strand). Cytogenetic location: 2p13.1.
Variant type: single nucleotide variant.
Coding change: c.8560C>G on transcript NM_001378454.1 (MANE Select); coding-DNA position 8560, C replaced by G.
Protein change: p.Leu2854Val; replaces leucine 2854 with valine.
Molecular consequence: missense variant.
Genome position (GRCh38, 1-based): chr2:73,490,519, C>G. VCF-style: chr2-73490519-C-G. GRCh37 (hg19) VCF-style: chr2-73717646-C-G.
Other names: c.8563C>G, p.Leu2855Val (NM_015120.4); short protein forms L2855V, L2854V.
Identifiers: ClinVar variation 551846 (VCV000551846.10), dbSNP rs765176591, ClinGen allele CA1714489.

ClinVar aggregate classification (germline): Uncertain significance. Review status: criteria provided, multiple submitters, no conflicts (2 of 4 stars). 5 submissions from 5 submitters: Uncertain significance (3). 2 of the submissions do not count toward it. Last evaluated 2025-07-15.

Conditions:
Cardiovascular phenotype. Identifiers: MedGen CN230736.
Alstrom syndrome (ALMS). Identifiers: Orphanet 64, MedGen C0268425, MONDO:0008763, OMIM 203800.

Allele frequency attached by ClinVar (database versions not stated): gnomAD 0.00001; ExAC 0.00002; TOPMed 0.00002.
gnomAD v4.1: 25 of 1,614,022 alleles (0.0015%); highest among the groups gnomAD compares: Middle Eastern, 0.033%; no homozygotes.

Submissions (5):

Ambry Genetics
Classification: Uncertain significance for Cardiovascular phenotype. Last evaluated: 2025-07-15. Review status: criteria provided, single submitter. Criteria: Ambry Variant Classification Scheme 2023. Collection method: clinical testing. Allele origin: germline.
Comment: The p.L2855V variant (also known as c.8563C>G), located in coding exon 10 of the ALMS1 gene, results from a C to G substitution at nucleotide position 8563. The leucine at codon 2855 is replaced by valine, an amino acid with highly similar properties. This variant was reported in an Alstrom syndrome cohort; however details were limited (Marshall JD et al. Hum Mutat, 2015 Jul;36:660-8). This amino acid position is highly conserved in available vertebrate species. In addition, this alteration is predicted to be tolerated by in silico analysis. Since supporting evidence is limited at this time, the clinical significance of this alteration remains unclear.

Blueprint Genetics
Classification: Uncertain significance. Last evaluated: 2023-05-31. Review status: criteria provided, single submitter. Criteria: ACMG Guidelines, 2015. Collection method: clinical testing. Allele origin: germline.

Labcorp Genetics (formerly Invitae), Labcorp
Classification: Uncertain significance for Alstrom syndrome. Last evaluated: 2022-08-19. Review status: criteria provided, single submitter. Criteria: Invitae Variant Classification Sherloc (09022015). Collection method: clinical testing. Allele origin: germline.
Comment: This sequence change replaces leucine, which is neutral and non-polar, with valine, which is neutral and non-polar, at codon 2855 of the ALMS1 protein (p.Leu2855Val). This variant is present in population databases (rs765176591, gnomAD 0.003%). This variant has not been reported in the literature in individuals affected with ALMS1-related conditions. ClinVar contains an entry for this variant (Variation ID: 551846). Experimental studies and prediction algorithms are not available or were not evaluated, and the functional significance of this variant is currently unknown. In summary, the available evidence is currently insufficient to determine the role of this variant in disease. Therefore, it has been classified as a Variant of Uncertain Significance.

Natera, Inc.
Classification: Uncertain significance for Alstrom syndrome. Last evaluated: 2020-09-16. Review status: no assertion criteria provided. Collection method: clinical testing. Allele origin: germline. Not counted in ClinVar's aggregate classification.

Counsyl
Classification: Uncertain significance for Alstrom syndrome. Last evaluated: 2017-05-10. Review status: no assertion criteria provided. Collection method: clinical testing. Allele origin: unknown. Not counted in ClinVar's aggregate classification.

Literature cited by the submitters: PubMed 25846608 (cited by Ambry Genetics).